The following is an entry in ClinVar:

ClinVar aggregate classification (germline): Likely benign (0 of 4 stars; one submission).

Conditions:
NECTIN2-related disorder. Also called: NECTIN2-related condition.

Allele frequency attached by ClinVar (database versions not stated): gnomAD 0.00001; gnomAD exomes 0.00001; TOPMed 0.00002; ExAC 0.00005.
gnomAD v4.1: 5 of 1,550,724 alleles (0.00032%); highest among the groups gnomAD compares: South Asian, 0.0024%; no homozygotes.

Submission:

PreventionGenetics, part of Exact Sciences
Classification: Likely benign for NECTIN2-related condition. Last evaluated: 2019-05-28. Review status: no assertion criteria provided. Collection method: clinical testing. Allele origin: germline.
Comment: This variant is classified as likely benign based on ACMG/AMP sequence variant interpretation guidelines (Richards et al. 2015 PMID: 25741868, with internal and published modifications).

NM_001042724.2(NECTIN2):c.1043-3861G>A

Gene: NECTIN2 (nectin cell adhesion molecule 2; plus strand). Cytogenetic location: 19q13.32.
Variant type: single nucleotide variant.
Coding change: c.1043-3861G>A on transcript NM_001042724.2 (MANE Select); 3861 bases into the intron before coding-DNA position 1043, G replaced by A.
Molecular consequence: intron variant. On other transcripts: synonymous variant (1).
Genome position (GRCh38, 1-based): chr19:44,878,350, G>A. VCF-style: chr19-44878350-G-A. GRCh37 (hg19) VCF-style: chr19-45381607-G-A.
Other names: c.1170G>A, p.Arg390= (NM_002856.3).
Identifiers: ClinVar variation 3038855 (VCV003038855.2), dbSNP rs753238889, ClinGen allele CA9505300.